The following is an entry in ClinVar:

NM_001267550.2(TTN):c.105715C>T (p.Pro35239Ser)

Genes: TTN-AS1 (TTN antisense RNA 1; plus strand), TTN (titin; minus strand), LOC129935183 (ATAC-STARR-seq lymphoblastoid active region 16808; plus strand). Cytogenetic location: 2q31.2.
Variant type: single nucleotide variant.
Coding change: c.105715C>T on transcript NM_001267550.2 (MANE Select); coding-DNA position 105715, C replaced by T.
Protein change: p.Pro35239Ser; replaces proline 35239 with serine.
Molecular consequence: missense variant.
Genome position (GRCh38, 1-based): chr2:178,530,900, G>A on the plus strand (C>T on the coding strand, the complement: TTN is on the minus strand). VCF-style: chr2-178530900-G-A. GRCh37 (hg19) VCF-style: chr2-179395627-G-A.
Other names: c.100792C>T, p.Pro33598Ser (NM_001256850.1); c.78520C>T, p.Pro26174Ser (NM_003319.4); c.98011C>T, p.Pro32671Ser (NM_133378.4); c.78895C>T, p.Pro26299Ser (NM_133432.3); c.79096C>T, p.Pro26366Ser (NM_133437.4); short protein forms P26299S, P32671S, P35239S, P33598S, P26174S, P26366S.
Identifiers: ClinVar variation 1908479 (VCV001908479.5), dbSNP rs2468387722, ClinGen allele CA349408002.

ClinVar aggregate classification (germline): Uncertain significance (1 of 4 stars; one submission).

Conditions:
Dilated cardiomyopathy 1G (CMD1G). Identifiers: Orphanet 154, MedGen C1858763, MONDO:0011400, OMIM 604145.
Autosomal recessive limb-girdle muscular dystrophy type 2J (LGMDR10). Also called: Limb-girdle muscular dystrophy, type 2J; MUSCULAR DYSTROPHY, LIMB-GIRDLE, AUTOSOMAL RECESSIVE 10. Identifiers: Orphanet 140922, MedGen C1837342, MONDO:0012127, OMIM 608807.

Submission:

Labcorp Genetics (formerly Invitae), Labcorp
Classification: Uncertain significance for Dilated cardiomyopathy 1G; Autosomal recessive limb-girdle muscular dystrophy type 2J. Last evaluated: 2022-07-17. Review status: criteria provided, single submitter. Criteria: Invitae Variant Classification Sherloc (09022015). Collection method: clinical testing. Allele origin: germline.
Comment: In summary, the available evidence is currently insufficient to determine the role of this variant in disease. Therefore, it has been classified as a Variant of Uncertain Significance. Experimental studies and prediction algorithms are not available or were not evaluated, and the functional significance of this variant is currently unknown. This variant has not been reported in the literature in individuals affected with TTN-related conditions. This variant is not present in population databases (gnomAD no frequency). This sequence change replaces proline, which is neutral and non-polar, with serine, which is neutral and polar, at codon 35239 of the TTN protein (p.Pro35239Ser). This variant is located in the M band of TTN (PMID: 25589632). Variants in this region may be relevant for neuromuscular disorders, but have not been definitively shown to cause cardiomyopathy (PMID: 23975875).

Literature cited by the submitters: PubMed 25589632; PubMed 23975875.